The following is an entry in ClinVar:

NM_020988.3(GNAO1):c.465-11G>T

Gene: GNAO1 (G protein subunit alpha o1; plus strand). Cytogenetic location: 16q13.
Variant type: single nucleotide variant.
Coding change: c.465-11G>T on transcript NM_020988.3 (MANE Select); 11 bases into the intron before coding-DNA position 465, G replaced by T.
Molecular consequence: intron variant.
Genome position (GRCh38, 1-based): chr16:56,334,718, G>T. VCF-style: chr16-56334718-G-T. GRCh37 (hg19) VCF-style: chr16-56368630-G-T.
Other names: c.465-11G>T (NM_138736.3).
Identifiers: ClinVar variation 2828814 (VCV002828814.3), dbSNP rs2037723644, ClinGen allele CA2224101385.

ClinVar aggregate classification (germline): Uncertain significance (1 of 4 stars; one submission).

Conditions:
Early-infantile DEE. Also called: Early infantile epileptic encephalopathy; Early infantile epileptic encephalopathy with suppression bursts; Ohtahara syndrome. Identifiers: Orphanet 1934, MedGen C0393706, MONDO:0800491.

Submission:

Labcorp Genetics (formerly Invitae), Labcorp
Classification: Uncertain significance for Early-infantile DEE. Last evaluated: 2023-01-15. Review status: criteria provided, single submitter. Criteria: Invitae Variant Classification Sherloc (09022015). Collection method: clinical testing. Allele origin: germline.
Comment: In summary, the available evidence is currently insufficient to determine the role of this variant in disease. Therefore, it has been classified as a Variant of Uncertain Significance. Algorithms developed to predict the effect of sequence changes on RNA splicing suggest that this variant may disrupt the consensus splice site. This variant has not been reported in the literature in individuals affected with GNAO1-related conditions. This variant is not present in population databases (gnomAD no frequency). This sequence change falls in intron 4 of the GNAO1 gene. It does not directly change the encoded amino acid sequence of the GNAO1 protein.